The following is an entry in ClinVar:

NM_018941.4(CLN8):c.312G>A (p.Trp104Ter)

Gene: CLN8 (CLN8 transmembrane ER and ERGIC protein; plus strand). Cytogenetic location: 8p23.3.
Variant type: single nucleotide variant.
Coding change: c.312G>A on transcript NM_018941.4 (MANE Select); coding-DNA position 312, G replaced by A.
Protein change: p.Trp104Ter; replaces tryptophan 104 with a stop codon.
Molecular consequence: nonsense.
Genome position (GRCh38, 1-based): chr8:1,771,366, G>A. VCF-style: chr8-1771366-G-A. GRCh37 (hg19) VCF-style: chr8-1719532-G-A.
Other names: short protein forms W104*.
Identifiers: ClinVar variation 556335 (VCV000556335.9), dbSNP rs1554449136, ClinGen allele CA369953297.

ClinVar aggregate classification (germline): Pathogenic. Review status: criteria provided, multiple submitters, no conflicts (2 of 4 stars). 3 submissions from 3 submitters: Pathogenic (2). 1 of the submissions does not count toward it. Last evaluated 2026-05-28.

Conditions:
Neuronal ceroid lipofuscinosis. Also called: Neuronal Ceroid Lipofuscinoses. Identifiers: Orphanet 216, Orphanet 79263, MedGen C0027877, MONDO:0016295. Disease mechanism: loss of function.
Neuronal ceroid lipofuscinosis 8 (CLN8). Also called: CLN8-Related Neuronal Ceroid-Lipofuscinosis. Identifiers: Orphanet 168491, Orphanet 228354, Orphanet 79264, MedGen C1838570, MONDO:0010830, OMIM 600143.

Submissions (3):

Women's Health and Genetics/Laboratory Corporation of America, LabCorp
Classification: Pathogenic for Neuronal ceroid lipofuscinosis 8. Last evaluated: 2026-05-28. Review status: criteria provided, single submitter. Criteria: LabCorp Variant Classification Summary - May 2015. Collection method: clinical testing. Allele origin: germline.
Comment: Variant summary: CLN8 c.312G>A (p.Trp104X) results in a premature termination codon, predicted to cause a truncation of the encoded protein or absence of the protein due to nonsense mediated decay, which are commonly known mechanisms for disease. The variant was absent in 251470 control chromosomes. To our knowledge, no occurrence of c.312G>A in individuals affected with CLN8-related conditions and no experimental evidence demonstrating its impact on protein function have been reported. ClinVar contains an entry for this variant (Variation ID: 556335). Based on the evidence outlined above, the variant was classified as pathogenic.

Labcorp Genetics (formerly Invitae), Labcorp
Classification: Pathogenic for Neuronal ceroid lipofuscinosis. Last evaluated: 2023-09-23. Review status: criteria provided, single submitter. Criteria: Invitae Variant Classification Sherloc (09022015). Collection method: clinical testing. Allele origin: germline.
Comment: This variant has not been reported in the literature in individuals affected with CLN8-related conditions. This variant is not present in population databases (gnomAD no frequency). This sequence change creates a premature translational stop signal (p.Trp104*) in the CLN8 gene. It is expected to result in an absent or disrupted protein product. Loss-of-function variants in CLN8 are known to be pathogenic (PMID: 15024724). For these reasons, this variant has been classified as Pathogenic. ClinVar contains an entry for this variant (Variation ID: 556335).

Counsyl
Classification: Likely pathogenic for Neuronal ceroid lipofuscinosis 8. Last evaluated: 2018-01-24. Review status: no assertion criteria provided. Collection method: clinical testing. Allele origin: unknown. Not counted in ClinVar's aggregate classification.

Literature cited by the submitters: PubMed 15024724 (cited by Labcorp Genetics (formerly Invitae), Labcorp).